The following is an entry in ClinVar:

ClinVar aggregate classification (germline): Pathogenic. Review status: criteria provided, multiple submitters, no conflicts (2 of 4 stars). 2 submissions from 2 submitters: Pathogenic (2). Last evaluated 2023-06-09.

Conditions:
Familial adenomatous polyposis 1 (FAP1). Also called: FAMILIAL ADENOMATOUS POLYPOSIS 1, ATTENUATED; POLYPOSIS, ADENOMATOUS INTESTINAL. Identifiers: MedGen C2713442, MONDO:0021056, OMIM 175100. Disease mechanism: loss of function.

Submissions (2):

Labcorp Genetics (formerly Invitae), Labcorp
Classification: Pathogenic for Familial adenomatous polyposis 1. Last evaluated: 2023-06-09. Review status: criteria provided, single submitter. Criteria: Invitae Variant Classification Sherloc (09022015). Collection method: clinical testing. Allele origin: germline.
Comment: For these reasons, this variant has been classified as Pathogenic. A different truncation (p.Tyr2645Lysfs*14) that lies downstream of this variant has been determined to be pathogenic (PMID: 9824584, 1316610, 27081525, 8381579, 22135120, Invitae). This suggests that deletion of this region of the APC protein is causative of disease. This variant is expected to disrupt the EB1 and HDLG binding sites, which mediate interactions with the cytoskeleton (PMID: 15311282, 17293347). While functional studies have not been performed to directly test the effect on APC protein function, this suggests that disruption of the C-terminal portion of the protein is functionally important. ClinVar contains an entry for this variant (Variation ID: 956814). This premature translational stop signal has been observed in individual(s) with clinical features of familial adenomatous polyposis (PMID: 21779980). This variant is not present in population databases (gnomAD no frequency). This sequence change creates a premature translational stop signal (p.Leu2643Phefs*16) in the APC gene. While this is not anticipated to result in nonsense mediated decay, it is expected to disrupt the last 201 amino acid(s) of the APC protein.

Myriad Genetics, Inc.
Classification: Pathogenic for Familial adenomatous polyposis 1. Last evaluated: 2023-05-16. Review status: criteria provided, single submitter. Criteria: Myriad Autosomal Dominant, Autosomal Recessive and X-Linked Classification Criteria (2023). Collection method: clinical testing. Allele origin: unknown.
Comment: This variant is considered pathogenic. This variant creates a frameshift predicted to result in premature protein truncation.

Literature cited by the submitters: PubMed 9824584 (cited by Labcorp Genetics (formerly Invitae), Labcorp); PubMed 1316610 (cited by Labcorp Genetics (formerly Invitae), Labcorp); PubMed 27081525 (cited by Labcorp Genetics (formerly Invitae), Labcorp); PubMed 8381579 (cited by Labcorp Genetics (formerly Invitae), Labcorp); PubMed 22135120 (cited by Labcorp Genetics (formerly Invitae), Labcorp); PubMed 15311282 (cited by Labcorp Genetics (formerly Invitae), Labcorp); PubMed 17293347 (cited by Labcorp Genetics (formerly Invitae), Labcorp); PubMed 21779980 (cited by Labcorp Genetics (formerly Invitae), Labcorp).

NM_000038.6(APC):c.7926_7929del (p.Leu2643fs)

Gene: APC (APC regulator of Wnt signaling pathway; plus strand). Cytogenetic location: 5q22.2.
Variant type: Deletion.
Coding change: c.7926_7929del on transcript NM_000038.6 (MANE Select); coding-DNA positions 7926 to 7929, 4 bases deleted (TCTA; older notation c.7926_7929delTCTA).
Protein change: p.Leu2643fs; shifts the reading frame from leucine 2643.
Molecular consequence: frameshift variant.
Genome position (GRCh38, 1-based): chr5:112,843,520-112,843,523, TCTA deleted. VCF-style (leftmost placement, unchanged base first): chr5-112843519-CTCTA-C. GRCh37 (hg19) VCF-style: chr5-112179216-CTCTA-C.
Other names: c.7926_7929del, p.Leu2643fs (NM_001127510.3, NM_001354895.2); c.7872_7875del, p.Leu2625fs (NM_001127511.3); c.7980_7983del, p.Leu2661fs (NM_001354896.2); c.7956_7959del, p.Leu2653fs (NM_001354897.2); c.7851_7854del, p.Leu2618fs (NM_001354898.2); c.7842_7845del, p.Leu2615fs (NM_001354899.2); c.7803_7806del, p.Leu2602fs (NM_001354900.2); c.7749_7752del, p.Leu2584fs (NM_001354901.2); and 5 more; short protein forms L2517fs, L2584fs, L2618fs, L2625fs, L2643fs, L2615fs, L2653fs, L2483fs.
Identifiers: ClinVar variation 956814 (VCV000956814.12), dbSNP rs1766601512, ClinGen allele CA1139659005.